The following is an entry in ClinVar:

ClinVar aggregate classification (germline): Uncertain significance (1 of 4 stars; one submission).

Submission:

GeneDx
Classification: Uncertain significance. Last evaluated: 2024-10-29. Review status: criteria provided, single submitter. Criteria: GeneDx Variant Classification Process June 2021. Collection method: clinical testing. Allele origin: germline. Affected: yes.
Comment: Not observed at significant frequency in large population cohorts (gnomAD); Nonsense variant predicted to result in protein truncation as the last 70 amino acids are lost; Has not been previously published as pathogenic or benign to our knowledge

NM_001170629.2(CHD8):c.7534A>T (p.Arg2512Ter)

Gene: CHD8 (chromodomain helicase DNA binding protein 8; minus strand). Cytogenetic location: 14q11.2.
Variant type: single nucleotide variant.
Coding change: c.7534A>T on transcript NM_001170629.2 (MANE Select); coding-DNA position 7534, A replaced by T.
Protein change: p.Arg2512Ter; replaces arginine 2512 with a stop codon.
Molecular consequence: nonsense.
Genome position (GRCh38, 1-based): chr14:21,385,825, T>A on the plus strand (A>T on the coding strand, the complement: CHD8 is on the minus strand). VCF-style: chr14-21385825-T-A. GRCh37 (hg19) VCF-style: chr14-21853984-T-A.
Other names: c.6697A>T, p.Arg2233Ter (NM_020920.4); short protein forms R2233*, R2512*.
Identifiers: ClinVar variation 3897330 (VCV003897330.1).